The following is an entry in ClinVar:

NM_170784.3(MKKS):c.423A>G (p.Pro141=)

Gene: MKKS (MKKS centrosomal shuttling protein; minus strand). Cytogenetic location: 20p12.2.
Variant type: single nucleotide variant.
Coding change: c.423A>G on transcript NM_170784.3 (MANE Select); coding-DNA position 423, A replaced by G.
Protein change: p.Pro141=; no amino-acid change (proline 141 retained).
Molecular consequence: synonymous variant.
Genome position (GRCh38, 1-based): chr20:10,413,092, T>C on the plus strand (A>G on the coding strand, the complement: MKKS is on the minus strand). VCF-style: chr20-10413092-T-C. GRCh37 (hg19) VCF-style: chr20-10393740-T-C.
Other names: c.423A>G, p.Pro141= (NM_018848.3).
Identifiers: ClinVar variation 3347948 (VCV003347948.1).
Genomic context (GRCh38, chr20:10,413,092, plus strand): 5'-TTTACTTGTTAATATACTACGCACCAAACAAAGGAGGATCTGAGTACTACTAAAGTCCAC[T>C]GGGATTCGACAACCACAGGTCTCAGACTTGAGATAACTGATGCAAAGACTCAAAAGATGT-3'
Protein context (NP_740754.1, residues 131-151): LKSETCGCRI[Pro141=]VDFSSTQILL

ClinVar aggregate classification (germline): Likely benign (0 of 4 stars; one submission).

Conditions:
MKKS-related disorder. Also called: MKKS-related condition; MKKS-related disorders.

Submission:

PreventionGenetics, part of Exact Sciences
Classification: Likely benign for MKKS-related condition. Last evaluated: 2024-08-05. Review status: no assertion criteria provided. Collection method: clinical testing. Allele origin: germline.
Comment: This variant is classified as likely benign based on ACMG/AMP sequence variant interpretation guidelines (Richards et al. 2015 PMID: 25741868, with internal and published modifications).